The following is an entry in ClinVar:

ClinVar aggregate classification (germline): Uncertain significance (1 of 4 stars; one submission).

Conditions:
D-2-hydroxyglutaric aciduria 2 (D2HGA2). Identifiers: Orphanet 79315, MedGen C3150909, MONDO:0013345, OMIM 613657.

Submission:

Labcorp Genetics (formerly Invitae), Labcorp
Classification: Uncertain significance for D-2-hydroxyglutaric aciduria 2. Last evaluated: 2022-07-19. Review status: criteria provided, single submitter. Criteria: Invitae Variant Classification Sherloc (09022015). Collection method: clinical testing. Allele origin: germline.
Comment: This variant has not been reported in the literature in individuals affected with IDH2-related conditions. This variant is not present in population databases (gnomAD no frequency). This sequence change replaces histidine, which is basic and polar, with glutamine, which is neutral and polar, at codon 381 of the IDH2 protein (p.His381Gln). ClinVar contains an entry for this variant (Variation ID: 1490755). In summary, the available evidence is currently insufficient to determine the role of this variant in disease. Therefore, it has been classified as a Variant of Uncertain Significance. Algorithms developed to predict the effect of missense changes on protein structure and function are either unavailable or do not agree on the potential impact of this missense change (SIFT: "Tolerated"; PolyPhen-2: "Probably Damaging"; Align-GVGD: "Class C0").

NM_002168.4(IDH2):c.1143C>G (p.His381Gln)

Gene: IDH2 (isocitrate dehydrogenase (NADP(+)) 2; minus strand). Cytogenetic location: 15q26.1.
Variant type: single nucleotide variant.
Coding change: c.1143C>G on transcript NM_002168.4 (MANE Select); coding-DNA position 1143, C replaced by G.
Protein change: p.His381Gln; replaces histidine 381 with glutamine.
Molecular consequence: missense variant.
Genome position (GRCh38, 1-based): chr15:90,085,036, G>C on the plus strand (C>G on the coding strand, the complement: IDH2 is on the minus strand). VCF-style: chr15-90085036-G-C. GRCh37 (hg19) VCF-style: chr15-90628268-G-C.
Other names: c.987C>G, p.His329Gln (NM_001289910.1); c.753C>G, p.His251Gln (NM_001290114.2); short protein forms H381Q, H251Q, H329Q.
Identifiers: ClinVar variation 1490755 (VCV001490755.8), dbSNP rs1596072062, ClinGen allele CA393818574.